The following is an entry in ClinVar:

ClinVar aggregate classification (germline): Uncertain significance (1 of 4 stars; one submission).

gnomAD v4.1: 1 of 1,613,828 alleles (0.000062%); highest among the groups gnomAD compares: Non-Finnish European, 0.000085%; no homozygotes.

Submission:

GeneDx
Classification: Uncertain significance. Last evaluated: 2025-07-03. Review status: criteria provided, single submitter. Criteria: GeneDx Variant Classification Process June 2021. Collection method: clinical testing. Allele origin: germline. Affected: yes.
Comment: Not observed at significant frequency in large population cohorts (gnomAD); In silico analysis supports that this missense variant has a deleterious effect on protein structure/function; Has not been previously published as pathogenic or benign to our knowledge

NM_004415.4(DSP):c.3560A>T (p.Glu1187Val)

Gene: DSP (desmoplakin; plus strand). Cytogenetic location: 6p24.3.
Variant type: single nucleotide variant.
Coding change: c.3560A>T on transcript NM_004415.4 (MANE Select); coding-DNA position 3560, A replaced by T.
Protein change: p.Glu1187Val; replaces glutamic acid 1187 with valine.
Molecular consequence: missense variant.
Genome position (GRCh38, 1-based): chr6:7,579,750, A>T. VCF-style: chr6-7579750-A-T. GRCh37 (hg19) VCF-style: chr6-7579983-A-T.
Other names: c.3560A>T, p.Glu1187Val (NM_001008844.3, NM_001319034.2); short protein forms E1187V.
Identifiers: ClinVar variation 4681021 (VCV004681021.1).